The following is an entry in ClinVar:

ClinVar aggregate classification (germline): Uncertain significance (1 of 4 stars; one submission).

Submission:

Labcorp Genetics (formerly Invitae), Labcorp
Classification: Uncertain significance. Last evaluated: 2025-04-17. Review status: criteria provided, single submitter. Criteria: Invitae Variant Classification Sherloc (09022015). Collection method: clinical testing. Allele origin: germline.
Comment: This sequence change replaces glycine, which is neutral and non-polar, with aspartic acid, which is acidic and polar, at codon 1609 of the COL11A2 protein (p.Gly1609Asp). This variant is not present in population databases (gnomAD no frequency). This variant has not been reported in the literature in individuals affected with COL11A2-related conditions. ClinVar contains an entry for this variant (Variation ID: 1381032). Invitae Evidence Modeling of protein sequence and biophysical properties (such as structural, functional, and spatial information, amino acid conservation, physicochemical variation, residue mobility, and thermodynamic stability) indicates that this missense variant is expected to disrupt COL11A2 protein function with a positive predictive value of 95%. In summary, the available evidence is currently insufficient to determine the role of this variant in disease. Therefore, it has been classified as a Variant of Uncertain Significance.

NM_080680.3(COL11A2):c.4826G>A (p.Gly1609Asp)

Gene: COL11A2 (collagen type XI alpha 2 chain; minus strand). Cytogenetic location: 6p21.32.
Variant type: single nucleotide variant.
Coding change: c.4826G>A on transcript NM_080680.3 (MANE Select); coding-DNA position 4826, G replaced by A.
Protein change: p.Gly1609Asp; replaces glycine 1609 with aspartic acid.
Molecular consequence: missense variant.
Genome position (GRCh38, 1-based): chr6:33,164,889, C>T on the plus strand (G>A on the coding strand, the complement: COL11A2 is on the minus strand). VCF-style: chr6-33164889-C-T. GRCh37 (hg19) VCF-style: chr6-33132666-C-T.
Other names: c.4505G>A, p.Gly1502Asp (NM_080679.3); c.4568G>A, p.Gly1523Asp (NM_080681.3); short protein forms G1609D, G1502D, G1523D.
Identifiers: ClinVar variation 1381032 (VCV001381032.7), dbSNP rs779957849, ClinGen allele CA3749992.